The following is an entry in ClinVar:

ClinVar aggregate classification (germline): Uncertain significance (1 of 4 stars; one submission).

Allele frequency attached by ClinVar (database versions not stated): TOPMed below 0.00001.

Submission:

Labcorp Genetics (formerly Invitae), Labcorp
Classification: Uncertain significance. Last evaluated: 2022-10-24. Review status: criteria provided, single submitter. Criteria: Invitae Variant Classification Sherloc (09022015). Collection method: clinical testing. Allele origin: germline.
Comment: This variant is present in population databases (no rsID available, gnomAD 0.003%). This sequence change replaces leucine, which is neutral and non-polar, with arginine, which is basic and polar, at codon 538 of the GPC6 protein (p.Leu538Arg). This variant has not been reported in the literature in individuals affected with GPC6-related conditions. Algorithms developed to predict the effect of missense changes on protein structure and function are either unavailable or do not agree on the potential impact of this missense change (SIFT: "Deleterious"; PolyPhen-2: "Benign"; Align-GVGD: "Class C0"). In summary, the available evidence is currently insufficient to determine the role of this variant in disease. Therefore, it has been classified as a Variant of Uncertain Significance.

NM_005708.5(GPC6):c.1613T>G (p.Leu538Arg)

Gene: GPC6 (glypican 6; plus strand). Cytogenetic location: 13q32.1.
Variant type: single nucleotide variant.
Coding change: c.1613T>G on transcript NM_005708.5 (MANE Select); coding-DNA position 1613, T replaced by G.
Protein change: p.Leu538Arg; replaces leucine 538 with arginine.
Molecular consequence: missense variant.
Genome position (GRCh38, 1-based): chr13:94,403,162, T>G. VCF-style: chr13-94403162-T-G. GRCh37 (hg19) VCF-style: chr13-95055416-T-G.
Other names: short protein forms L538R.
Identifiers: ClinVar variation 1925188 (VCV001925188.5), dbSNP rs1163386517, ClinGen allele CA388375902.
Genomic context (GRCh38, chr13:94,403,162, plus strand): 5'-CCGCAGTGGATCCCGACCGGAGAGAGGTGGACTCTTCTGCAGCCCAGCGTGGCCACTCCC[T>G]GCTCTCCTGGTCTCTCACCTGCATTGTCCTGGCACTGCAGAGACTGTGCAGATAATCTTG-3'
Protein context (NP_005699.1, residues 528-548): DSSAAQRGHS[Leu538Arg]LSWSLTCIVL